The following is an entry in ClinVar:

NM_019894.4(TMPRSS4):c.131C>T (p.Ala44Val)

Gene: TMPRSS4 (transmembrane serine protease 4; plus strand). Cytogenetic location: 11q23.3.
Variant type: single nucleotide variant.
Coding change: c.131C>T on transcript NM_019894.4 (MANE Select); coding-DNA position 131, C replaced by T.
Protein change: p.Ala44Val; replaces alanine 44 with valine.
Molecular consequence: missense variant. On other transcripts: non-coding transcript variant (1), intron variant (2).
Genome position (GRCh38, 1-based): chr11:118,099,072, C>T. VCF-style: chr11-118099072-C-T. GRCh37 (hg19) VCF-style: chr11-117969787-C-T.
Other names: c.131C>T, p.Ala44Val (NM_001083947.2); c.125C>T, p.Ala42Val (NM_001173551.2); c.56C>T, p.Ala19Val (NM_001290094.2); c.-270+38C>T (NM_001290096.2); c.38-4029C>T (NM_001173552.2); short protein forms A19V, A42V, A44V.
Identifiers: ClinVar variation 1315695 (VCV001315695.3), dbSNP rs148550252, ClinGen allele CA6299462.

ClinVar aggregate classification (germline): Likely benign. Review status: criteria provided, multiple submitters, no conflicts (2 of 4 stars). 2 submissions from 2 submitters: Likely benign (2). Last evaluated 2019-11-21.

Allele frequency attached by ClinVar (database versions not stated): 1000 Genomes Project 30x 0.00016; 1000 Genomes Project 0.00020; ESP Exome Variant Server 0.00031; gnomAD 0.00034 and 0.00036; TOPMed 0.00034.
gnomAD v4.1: 782 of 1,613,860 alleles (0.048%); highest among the groups gnomAD compares: Middle Eastern, 0.46%; 1 homozygote.

Submissions (2):

GeneDx
Classification: Likely benign. Last evaluated: 2019-11-21. Review status: criteria provided, single submitter. Criteria: GeneDx Variant Classification Process June 2021. Collection method: clinical testing. Allele origin: germline. Affected: yes.
Comment: Has not been previously published as pathogenic or benign to our knowledge; Although in silico splice predictors suggest this variant may impact gene splicing, additional in silico analyses, which include protein predictors and evolutionary conservation, support that this variant does not alter protein structure/function; however, in the absence of RNA/functional studies, the actual effect of this sequence change is unknown; This variant is associated with the following publications: (PMID: 30919572)

Breakthrough Genomics
Classification: Likely benign. Review status: criteria provided, single submitter. Criteria: ACMG Guidelines, 2015. Collection method: not provided. Allele origin: germline. Inheritance: Unknown mechanism. Affected: yes.